The following is an entry in ClinVar:

ClinVar aggregate classification (germline): Conflicting classifications of pathogenicity. Review status: criteria provided, conflicting classifications (1 of 4 stars). 8 submissions from 8 submitters: Pathogenic (4); Likely pathogenic (1); Uncertain significance (2). 1 of the submissions does not count toward it. Last evaluated 2025-09-16.

Conditions:
AARS1-related disorder. Also called: AARS1-related condition.
AARS-related disorder. Also called: AARS-related disorders.
Developmental and epileptic encephalopathy, 29 (DEE29). Also called: Epileptic encephalopathy, early infantile, 29. Identifiers: Orphanet 442835, MedGen C4225361, MONDO:0014593, OMIM 616339.
Charcot-Marie-Tooth disease type 2. Also called: Charcot-Marie-Tooth type 2. Identifiers: Orphanet 64746, MedGen C0270914, MONDO:0018993.

Allele frequency attached by ClinVar (database versions not stated): gnomAD 0.00001; ExAC 0.00002; gnomAD exomes 0.00002; TOPMed 0.00002; ESP Exome Variant Server 0.00008.
gnomAD v4.1: 28 of 1,614,066 alleles (0.0017%); highest among the groups gnomAD compares: Non-Finnish European, 0.0024%; no homozygotes.

Submissions (8):

PreventionGenetics, part of Exact Sciences
Classification: Likely pathogenic for AARS1-related condition. Last evaluated: 2025-09-16. Review status: criteria provided, single submitter. Criteria: ACMG Guidelines, 2015. Collection method: clinical testing. Allele origin: germline.
Comment: The AARS1 c.2738G>A variant is predicted to result in the amino acid substitution p.Gly913Asp. This variant has been reported in the compound heterozygous state in individuals with AARS1-related disorders and segregated with disease in affected family members (Nakayama et al. 2017. PubMed ID: 28493438; Krey et al. 2019. PubMed ID: 31791873; Helman et al. 2021. PubMed ID: 34446925). Experimental studies indicate this variant impacts protein function (Nakayama et al. 2017. PubMed ID: 28493438; Kuo et al. 2025. PubMed ID: 40491354). This variant is reported in 0.0053% of alleles in individuals of European (non-Finnish) descent in gnomAD. We classify this variant as likely pathogenic.

Labcorp Genetics (formerly Invitae), Labcorp
Classification: Pathogenic for Charcot-Marie-Tooth disease type 2. Last evaluated: 2025-03-25. Review status: criteria provided, single submitter. Criteria: Invitae Variant Classification Sherloc (09022015). Collection method: clinical testing. Allele origin: germline.
Comment: This sequence change replaces glycine, which is neutral and non-polar, with aspartic acid, which is acidic and polar, at codon 913 of the AARS protein (p.Gly913Asp). This variant is present in population databases (rs369774476, gnomAD 0.006%). This missense change has been observed in individual(s) with autosomal recessive developmental and epileptic encephalopathy (PMID: 28493438, 31791873, 34446925). In at least one individual the data is consistent with being in trans (on the opposite chromosome) from a pathogenic variant. It has also been observed to segregate with disease in related individuals. This variant has been reported in individual(s) with autosomal dominant Charcot-Marie-Tooth disease (internal data); however, the role of the variant in this condition is currently unclear. ClinVar contains an entry for this variant (Variation ID: 246598). Invitae Evidence Modeling of protein sequence and biophysical properties (such as structural, functional, and spatial information, amino acid conservation, physicochemical variation, residue mobility, and thermodynamic stability) indicates that this missense variant is not expected to disrupt AARS protein function with a negative predictive value of 95%. Experimental studies have shown that this missense change affects AARS function (PMID: 28493438). For these reasons, this variant has been classified as Pathogenic.

Blueprint Genetics
Classification: Pathogenic for AARS-related disorders. Last evaluated: 2024-11-13. Review status: criteria provided, single submitter. Criteria: ACMG Guidelines, 2015. Collection method: clinical testing. Allele origin: germline. Affected: yes. Observed: 4 variant alleles.

Institute of Medical Genetics and Applied Genomics, University Hospital Tübingen
Classification: Pathogenic. Last evaluated: 2020-10-23. Review status: criteria provided, single submitter. Criteria: ACMG Guidelines, 2015. Collection method: clinical testing. Allele origin: germline. Inheritance: Autosomal unknown. Affected: yes.

GeneDx
Classification: Uncertain significance. Last evaluated: 2019-11-12. Review status: criteria provided, single submitter. Criteria: GeneDx Variant Classification Process June 2021. Collection method: clinical testing. Allele origin: germline. Affected: yes.
Comment: Not observed at a significant frequency in large population cohorts (Lek et al., 2016); In silico analysis, which includes protein predictors and evolutionary conservation, supports a deleterious effect; This variant is associated with the following publications: (PMID: 28493438, 31791873)

Institute of Human Genetics, University of Leipzig Medical Center
Classification: Uncertain significance for Developmental and epileptic encephalopathy, 29. Last evaluated: 2019-01-01. Review status: criteria provided, single submitter. Criteria: ACMG Guidelines, 2015. Collection method: clinical testing. Allele origin: unknown. Affected: yes.
Comment: This variant was identified as compound heterozygous.

Institute of Human Genetics Munich, TUM University Hospital
Classification: Pathogenic for Developmental and epileptic encephalopathy, 29. Last evaluated: 2018-07-30. Review status: criteria provided, single submitter. Criteria: Classification criteria August 2017. Collection method: clinical testing. Allele origin: germline. Inheritance: Autosomal recessive inheritance. Affected: yes. Observed: 1 compound heterozygote.

OMIM
Classification: Pathogenic for DEVELOPMENTAL AND EPILEPTIC ENCEPHALOPATHY 29. Last evaluated: 2022-03-02. Review status: no assertion criteria provided. Collection method: literature only. Allele origin: germline. Not counted in ClinVar's aggregate classification.

Literature cited by the submitters: PubMed 28493438 (cited by Labcorp Genetics (formerly Invitae), Labcorp and OMIM); PubMed 31791873 (cited by Labcorp Genetics (formerly Invitae), Labcorp); PubMed 34446925 (cited by Labcorp Genetics (formerly Invitae), Labcorp).

NM_001605.3(AARS1):c.2738G>A (p.Gly913Asp)

Gene: AARS1 (alanyl-tRNA synthetase 1; minus strand). Cytogenetic location: 16q22.1.
Variant type: single nucleotide variant.
Coding change: c.2738G>A on transcript NM_001605.3 (MANE Select); coding-DNA position 2738, G replaced by A.
Protein change: p.Gly913Asp; replaces glycine 913 with aspartic acid.
Molecular consequence: missense variant.
Genome position (GRCh38, 1-based): chr16:70,252,890, C>T on the plus strand (G>A on the coding strand, the complement: AARS1 is on the minus strand). VCF-style: chr16-70252890-C-T. GRCh37 (hg19) VCF-style: chr16-70286793-C-T.
Other names: E913D; short protein forms G913D.
Identifiers: ClinVar variation 246598 (VCV000246598.24), dbSNP rs369774476, ClinGen allele CA8140276.
Genomic context (GRCh38, chr16:70,252,890, plus strand): 5'-CCACCACCTTTACCGTCCATCAAGCCTGACACCTGCTGCACCCACTCGCTGGCTTTTAAG[C>T]CCCGATTGGCTGCATTCTAGAAGACAGGAAGGGAAGGGGGAGTCAGCACAGAAGATGGGA-3'
Protein context (NP_001596.2, residues 903-923): CQVPQNAANR[Gly913Asp]LKASEWVQQV